The following is an entry in ClinVar:

ClinVar aggregate classification (germline): Conflicting classifications of pathogenicity. Review status: criteria provided, conflicting classifications (1 of 4 stars). 7 submissions from 7 submitters: Uncertain significance (1); Likely benign (6). Last evaluated 2025-12-14.

Conditions:
Ehlers-Danlos syndrome, type 4 (EDSVASC). Also called: Ehlers-Danlos syndrome vascular type; Ehlers Danlos syndrome, ecchymotic type; Ehlers Danlos syndrome, arterial type; Ehlers Danlos syndrome, Sack-Barabas type; Ehlers-Danlos Syndrome Type IV. Identifiers: Orphanet 286, MedGen C0268338, MONDO:0017314, OMIM 130050.
Familial thoracic aortic aneurysm and aortic dissection (TAAD). Also called: Thoracic aortic aneurysms and dissections. Identifiers: Orphanet 91387, MedGen C4707243, MONDO:0019625.

Allele frequency attached by ClinVar (database versions not stated): gnomAD exomes 0.00002 and 0.00003; gnomAD 0.00003; TOPMed 0.00004.
gnomAD v4.1: 49 of 1,548,634 alleles (0.0032%); highest among the groups gnomAD compares: Non-Finnish European, 0.004%; no homozygotes.

Submissions (7):

Labcorp Genetics (formerly Invitae), Labcorp
Classification: Likely benign for Ehlers-Danlos syndrome, type 4. Last evaluated: 2025-12-14. Review status: criteria provided, single submitter. Criteria: Invitae Variant Classification Sherloc (09022015). Collection method: clinical testing. Allele origin: germline.

All of Us Research Program, National Institutes of Health
Classification: Likely benign for Ehlers-Danlos syndrome, type 4. Last evaluated: 2024-01-11. Review status: criteria provided, single submitter. Criteria: ACMG Guidelines, 2015. Collection method: clinical testing. Allele origin: germline. Inheritance: Autosomal dominant inheritance. Observed: 13 variant alleles, 13 heterozygotes.
Comment: This study involves interpretation of variants in research participants for the purpose of population health screening. Participant phenotype was not available at the time of variant classification. Additional details can be found in publication PMID: 35346344, PMCID: PMC8962531

Women's Health and Genetics/Laboratory Corporation of America, LabCorp
Classification: Likely benign. Last evaluated: 2023-07-21. Review status: criteria provided, single submitter. Criteria: LabCorp Variant Classification Summary - May 2015. Collection method: clinical testing. Allele origin: germline.

Ambry Genetics
Classification: Likely benign for Familial thoracic aortic aneurysm and aortic dissection. Last evaluated: 2021-05-29. Review status: criteria provided, single submitter. Criteria: Ambry Variant Classification Scheme 2023. Collection method: clinical testing. Allele origin: germline.

GeneDx
Classification: Likely benign. Last evaluated: 2020-08-14. Review status: criteria provided, single submitter. Criteria: GeneDx Variant Classification Process June 2021. Collection method: clinical testing. Allele origin: germline. Affected: yes.

Color Diagnostics, LLC DBA Color Health
Classification: Likely benign for Familial thoracic aortic aneurysm and aortic dissection. Last evaluated: 2018-11-30. Review status: criteria provided, single submitter. Criteria: ACMG Guidelines, 2015. Collection method: clinical testing. Allele origin: germline.

Eurofins Ntd Llc (ga)
Classification: Uncertain significance. Last evaluated: 2015-03-18. Review status: criteria provided, single submitter. Criteria: EGL Classification Definitions 2015. Collection method: clinical testing. Allele origin: germline. Observed: 1 variant allele, 1 heterozygote.

NM_000090.4(COL3A1):c.2550T>C (p.Pro850=)

Gene: COL3A1 (collagen type III alpha 1 chain; plus strand). Cytogenetic location: 2q32.2.
Variant type: single nucleotide variant.
Coding change: c.2550T>C on transcript NM_000090.4 (MANE Select); coding-DNA position 2550, T replaced by C.
Protein change: p.Pro850=; no amino-acid change (proline 850 retained).
Molecular consequence: synonymous variant.
Genome position (GRCh38, 1-based): chr2:189,003,059, T>C. VCF-style: chr2-189003059-T-C. GRCh37 (hg19) VCF-style: chr2-189867785-T-C.
Identifiers: ClinVar variation 196965 (VCV000196965.26), dbSNP rs794727586, ClinGen allele CA005448.